The following is an entry in ClinVar:

NM_007129.5(ZIC2):c.1037G>T (p.Arg346Leu)

Gene: ZIC2 (Zic family zinc finger 2; plus strand). Cytogenetic location: 13q32.3.
Variant type: single nucleotide variant.
Coding change: c.1037G>T on transcript NM_007129.5 (MANE Select); coding-DNA position 1037, G replaced by T.
Protein change: p.Arg346Leu; replaces arginine 346 with leucine.
Molecular consequence: missense variant.
Genome position (GRCh38, 1-based): chr13:99,983,101, G>T. VCF-style: chr13-99983101-G-T. GRCh37 (hg19) VCF-style: chr13-100635355-G-T.
Other names: c.1037G>T (NM_007129.3); short protein forms R346L.
Identifiers: ClinVar variation 2838422 (VCV002838422.4), dbSNP rs2501545334, ClinGen allele CA388638655.

ClinVar aggregate classification (germline): Uncertain significance. Review status: criteria provided, multiple submitters, no conflicts (2 of 4 stars). 2 submissions from 2 submitters: Uncertain significance (2). Last evaluated 2024-08-28.

Conditions:
Holoprosencephaly 5 (HPE5). Identifiers: Orphanet 2162, MedGen C1864827, MONDO:0012322, OMIM 609637.

Submissions (2):

GeneDx
Classification: Uncertain significance. Last evaluated: 2024-08-28. Review status: criteria provided, single submitter. Criteria: GeneDx Variant Classification Process June 2021. Collection method: clinical testing. Allele origin: germline. Affected: yes.
Comment: Not observed at significant frequency in large population cohorts (gnomAD); In silico analysis supports that this missense variant has a deleterious effect on protein structure/function; Has not been previously published as pathogenic or benign to our knowledge

Labcorp Genetics (formerly Invitae), Labcorp
Classification: Uncertain significance for Holoprosencephaly 5. Last evaluated: 2023-02-17. Review status: criteria provided, single submitter. Criteria: Invitae Variant Classification Sherloc (09022015). Collection method: clinical testing. Allele origin: germline.
Comment: This sequence change replaces arginine, which is basic and polar, with leucine, which is neutral and non-polar, at codon 346 of the ZIC2 protein (p.Arg346Leu). This variant is not present in population databases (gnomAD no frequency). This variant has not been reported in the literature in individuals affected with ZIC2-related conditions. Advanced modeling of protein sequence and biophysical properties (such as structural, functional, and spatial information, amino acid conservation, physicochemical variation, residue mobility, and thermodynamic stability) performed at Invitae indicates that this missense variant is expected to disrupt ZIC2 protein function. In summary, the available evidence is currently insufficient to determine the role of this variant in disease. Therefore, it has been classified as a Variant of Uncertain Significance.